The following is an entry in ClinVar:

NM_012433.4(SF3B1):c.3013+8A>G

Gene: SF3B1 (splicing factor 3b subunit 1; minus strand). Cytogenetic location: 2q33.1.
Variant type: single nucleotide variant.
Coding change: c.3013+8A>G on transcript NM_012433.4 (MANE Select); 8 bases into the intron after coding-DNA position 3013, A replaced by G.
Molecular consequence: intron variant.
Genome position (GRCh38, 1-based): chr2:197,400,047, T>C on the plus strand (A>G on the coding strand, the complement: SF3B1 is on the minus strand). VCF-style: chr2-197400047-T-C. GRCh37 (hg19) VCF-style: chr2-198264771-T-C.
Identifiers: ClinVar variation 3043892 (VCV003043892.2), dbSNP rs202052494, ClinGen allele CA2042468.

ClinVar aggregate classification (germline): Likely benign (0 of 4 stars; one submission).

Conditions:
SF3B1-related disorder. Also called: SF3B1-related condition.

Allele frequency attached by ClinVar (database versions not stated): gnomAD 0.00004; TOPMed 0.00005; gnomAD exomes 0.00009; ExAC 0.00010; ESP Exome Variant Server 0.00015; 1000 Genomes Project 30x 0.00016; 1000 Genomes Project 0.00020.
gnomAD v4.1: 139 of 1,551,632 alleles (0.009%); highest among the groups gnomAD compares: Middle Eastern, 0.05%; no homozygotes.

Submission:

PreventionGenetics, part of Exact Sciences
Classification: Likely benign for SF3B1-related condition. Last evaluated: 2019-03-22. Review status: no assertion criteria provided. Collection method: clinical testing. Allele origin: germline.
Comment: This variant is classified as likely benign based on ACMG/AMP sequence variant interpretation guidelines (Richards et al. 2015 PMID: 25741868, with internal and published modifications).